The following is an entry in ClinVar:

ClinVar aggregate classification (germline): Uncertain significance. Review status: criteria provided, multiple submitters, no conflicts (2 of 4 stars). 3 submissions from 3 submitters: Uncertain significance (3). Last evaluated 2024-02-28.

Conditions:
Joubert syndrome 14 (JBTS14). Identifiers: MedGen C3280766, MONDO:0013745, OMIM 614424.

Allele frequency attached by ClinVar (database versions not stated): ExAC below 0.00001; TOPMed 0.00001; ESP Exome Variant Server 0.00008.
gnomAD v4.1: 53 of 1,592,610 alleles (0.0033%); highest among the groups gnomAD compares: Non-Finnish European, 0.0044%; no homozygotes.

Submissions (3):

Fulgent Genetics
Classification: Uncertain significance for Joubert syndrome 14. Last evaluated: 2024-02-28. Review status: criteria provided, single submitter. Criteria: ACMG Guidelines, 2015. Collection method: clinical testing. Allele origin: germline.

Labcorp Genetics (formerly Invitae), Labcorp
Classification: Uncertain significance for Joubert syndrome 14. Last evaluated: 2022-10-03. Review status: criteria provided, single submitter. Criteria: Invitae Variant Classification Sherloc (09022015). Collection method: clinical testing. Allele origin: germline.
Comment: This sequence change replaces proline, which is neutral and non-polar, with threonine, which is neutral and polar, at codon 76 of the TMEM237 protein (p.Pro76Thr). This variant is not present in population databases (gnomAD no frequency). In summary, the available evidence is currently insufficient to determine the role of this variant in disease. Therefore, it has been classified as a Variant of Uncertain Significance. Algorithms developed to predict the effect of missense changes on protein structure and function are either unavailable or do not agree on the potential impact of this missense change (SIFT: "Deleterious"; PolyPhen-2: "Benign"; Align-GVGD: "Class C0"). ClinVar contains an entry for this variant (Variation ID: 864364). This variant has not been reported in the literature in individuals affected with TMEM237-related conditions.

GeneDx
Classification: Uncertain significance. Last evaluated: 2019-07-15. Review status: criteria provided, single submitter. Criteria: GeneDx Variant Classification Process June 2021. Collection method: clinical testing. Allele origin: germline. Affected: yes.
Comment: Has not been previously published as pathogenic or benign to our knowledge; Not observed in large population cohorts (Lek et al., 2016); In silico analysis, which includes protein predictors and evolutionary conservation, supports that this variant does not alter protein structure/function

NM_001044385.3(TMEM237):c.226C>A (p.Pro76Thr)

Gene: TMEM237 (transmembrane protein 237; minus strand). Cytogenetic location: 2q33.1.
Variant type: single nucleotide variant.
Coding change: c.226C>A on transcript NM_001044385.3 (MANE Select); coding-DNA position 226, C replaced by A.
Protein change: p.Pro76Thr; replaces proline 76 with threonine.
Molecular consequence: missense variant.
Genome position (GRCh38, 1-based): chr2:201,636,796, G>T on the plus strand (C>A on the coding strand, the complement: TMEM237 is on the minus strand). VCF-style: chr2-201636796-G-T. GRCh37 (hg19) VCF-style: chr2-202501519-G-T.
Other names: c.202C>A, p.Pro68Thr (NM_152388.4); short protein forms P76T, P68T.
Identifiers: ClinVar variation 864364 (VCV000864364.11), dbSNP rs367728637, ClinGen allele CA2056547.